The following is an entry in ClinVar:

NC_000016.10:g.(?_78278583)_(78386968_?)del

Gene: WWOX (WW domain containing oxidoreductase; plus strand). Cytogenetic location: 16q23.1.
Variant type: Deletion.
Identifiers: ClinVar variation 833164 (VCV000833164.1).

ClinVar aggregate classification (germline): Pathogenic (1 of 4 stars; one submission).

Conditions:
Autosomal recessive spinocerebellar ataxia 12. Also called: SPINOCEREBELLAR ATAXIA WITH MENTAL RETARDATION AND EPILEPSY. Identifiers: Orphanet 284282, MedGen C3280452, MONDO:0013687, OMIM 614322.
Developmental and epileptic encephalopathy, 1 (DEE1). Also called: Epileptic encephalopathy, early infantile, 1; X-linked infantile spasms; West's syndrome; Tonic spasms with clustering, arrest of psychomotor development and hypsarrhythmia on EEG; X-Linked Infantile Spasm Syndrome; OHTAHARA SYNDROME, X-LINKED. Identifiers: MedGen C3463992, MONDO:0010632, OMIM 308350. Disease mechanism: loss of function.

Submission:

Labcorp Genetics (formerly Invitae), Labcorp
Classification: Pathogenic for Epileptic encephalopathy, early infantile, 1; Spinocerebellar ataxia, autosomal recessive 12. Last evaluated: 2019-10-07. Review status: criteria provided, single submitter. Criteria: Invitae Variant Classification Sherloc (09022015). Collection method: clinical testing. Allele origin: germline.
Comment: This variant is an out-of-frame deletion of the genomic region encompassing exon 6 of the WWOX gene. This is expected to create a premature translational stop signal and result in an absent or disrupted protein product. A similar deletion of exon 6 has been reported in combination with another WWOX variant in an individual affected with infantile epileptic encephalopathy (PMID: 25411445). ClinVar has an entry for a similar variant (Variant ID: 180247) Loss-of-function variants in WWOX are known to be pathogenic (PMID: 25411445). For these reasons, this variant has been classified as Pathogenic.

Literature cited by the submitters: PubMed 25411445.